The following is an entry in ClinVar:

NM_001378183.1(PIEZO2):c.1922A>G (p.Lys641Arg)

Gene: PIEZO2 (piezo type mechanosensitive ion channel component 2; minus strand). Cytogenetic location: 18p11.22.
Variant type: single nucleotide variant.
Coding change: c.1922A>G on transcript NM_001378183.1 (MANE Select); coding-DNA position 1922, A replaced by G.
Protein change: p.Lys641Arg; replaces lysine 641 with arginine.
Molecular consequence: missense variant.
Genome position (GRCh38, 1-based): chr18:10,789,326, T>C on the plus strand (A>G on the coding strand, the complement: PIEZO2 is on the minus strand). VCF-style: chr18-10789326-T-C. GRCh37 (hg19) VCF-style: chr18-10789324-T-C.
Other names: c.1922A>G, p.Lys641Arg (NM_001410871.1, NM_022068.4); short protein forms K641R.
Identifiers: ClinVar variation 3372791 (VCV003372791.1).
Genomic context (GRCh38, chr18:10,789,326, plus strand): 5'-TCTTGCTCTACCTTCTTTCTCTCTTGCTTCTCTTCCTTCGCTTCCTCTTCTTCCTCCTCT[T>C]TGGGCTCTCCTTCCACTTGTATATCTTGAAGTTCCTCATCTTCAAATAGAAAACTGTGCT-3'
Protein context (NP_001365112.1, residues 631-651): LQDIQVEGEP[Lys641Arg]EEEEEEAKEE

ClinVar aggregate classification (germline): Uncertain significance (1 of 4 stars; one submission).

gnomAD v4.1: 2 of 1,537,244 alleles (0.00013%); highest among the groups gnomAD compares: East Asian, 0.0049%; no homozygotes.

Submission:

GeneDx
Classification: Uncertain significance. Last evaluated: 2024-04-18. Review status: criteria provided, single submitter. Criteria: GeneDx Variant Classification Process June 2021. Collection method: clinical testing. Allele origin: germline. Affected: yes.
Comment: Not observed at significant frequency in large population cohorts (gnomAD); In silico analysis indicates that this missense variant does not alter protein structure/function; Has not been previously published as pathogenic or benign to our knowledge